The following is an entry in ClinVar:

ClinVar aggregate classification (germline): Pathogenic (1 of 4 stars; one submission).

Conditions:
Neuromuscular disease caused by qualitative or quantitative defects of dysferlin. Also called: Qualitative or quantitative defects of dysferlin; Dysferlinopathy. Identifiers: Orphanet 207073, MedGen C2931687, MONDO:0016145.

Allele frequency attached by ClinVar (database versions not stated): gnomAD exomes below 0.00001.

Submission:

Labcorp Genetics (formerly Invitae), Labcorp
Classification: Pathogenic for Neuromuscular disease caused by qualitative or quantitative defects of dysferlin. Last evaluated: 2023-03-11. Review status: criteria provided, single submitter. Criteria: Invitae Variant Classification Sherloc (09022015). Collection method: clinical testing. Allele origin: germline.
Comment: This variant is not present in population databases (gnomAD no frequency). For these reasons, this variant has been classified as Pathogenic. This variant has not been reported in the literature in individuals affected with DYSF-related conditions. This sequence change creates a premature translational stop signal (p.Lys910Argfs*38) in the DYSF gene. It is expected to result in an absent or disrupted protein product. Loss-of-function variants in DYSF are known to be pathogenic (PMID: 17698709, 20301480).

Literature cited by the submitters: PubMed 17698709; PubMed 20301480.

NM_001130987.2(DYSF):c.2781del (p.Lys928fs)

Gene: DYSF (dysferlin; plus strand). Cytogenetic location: 2p13.2.
Variant type: Deletion.
Coding change: c.2781del on transcript NM_001130987.2 (MANE Select); coding-DNA position 2781, one base deleted (C; older notation c.2781delC).
Protein change: p.Lys928fs; shifts the reading frame from lysine 928.
Molecular consequence: frameshift variant.
Genome position (GRCh38, 1-based): chr2:71,568,255, C deleted. VCF-style (leftmost placement, unchanged base first): chr2-71568254-GC-G. GRCh37 (hg19) VCF-style: chr2-71795384-GC-G.
Other names: c.2730del, p.Lys911fs (NM_001130455.2, NM_001130983.2); c.2685del, p.Lys896fs (NM_001130976.2, NM_001130977.2); c.2727del, p.Lys910fs (NM_001130978.2, NM_003494.4); c.2820del, p.Lys941fs (NM_001130979.2); c.2778del, p.Lys927fs (NM_001130980.2, NM_001130981.2); c.2823del, p.Lys942fs (NM_001130982.2); c.2688del, p.Lys897fs (NM_001130984.2, NM_001130986.2); c.2781del, p.Lys928fs (NM_001130985.2); short protein forms K911fs, K927fs, K942fs, K896fs, K910fs, K941fs, K897fs, K928fs.
Identifiers: ClinVar variation 3008461 (VCV003008461.3), dbSNP rs2545799936, ClinGen allele CA2659548858.